The following is an entry in ClinVar:

ClinVar aggregate classification (germline): Uncertain significance (1 of 4 stars; one submission).

Allele frequency attached by ClinVar (database versions not stated): ExAC 0.00007; TOPMed 0.00007.
gnomAD v4.1: 108 of 1,613,860 alleles (0.0067%); highest among the groups gnomAD compares: Middle Eastern, 0.049%; no homozygotes.

Submission:

Labcorp Genetics (formerly Invitae), Labcorp
Classification: Uncertain significance. Last evaluated: 2025-06-12. Review status: criteria provided, single submitter. Criteria: Invitae Variant Classification Sherloc (09022015). Collection method: clinical testing. Allele origin: germline.
Comment: This sequence change replaces alanine, which is neutral and non-polar, with valine, which is neutral and non-polar, at codon 26 of the TPRKB protein (p.Ala26Val). This variant is present in population databases (rs751970441, gnomAD 0.02%). This variant has not been reported in the literature in individuals affected with TPRKB-related conditions. ClinVar contains an entry for this variant (Variation ID: 2068884). An algorithm developed to predict the effect of missense changes on protein structure and function (PolyPhen-2) suggests that this variant is likely to be disruptive. In summary, the available evidence is currently insufficient to determine the role of this variant in disease. Therefore, it has been classified as a Variant of Uncertain Significance.

NM_016058.5(TPRKB):c.77C>T (p.Ala26Val)

Gene: TPRKB (TP53RK binding protein; minus strand). Cytogenetic location: 2p13.1.
Variant type: single nucleotide variant.
Coding change: c.77C>T on transcript NM_016058.5 (MANE Select); coding-DNA position 77, C replaced by T.
Protein change: p.Ala26Val; replaces alanine 26 with valine.
Molecular consequence: missense variant. On other transcripts: 5 prime UTR variant (1), intron variant (2).
Genome position (GRCh38, 1-based): chr2:73,734,493, G>A on the plus strand (C>T on the coding strand, the complement: TPRKB is on the minus strand). VCF-style: chr2-73734493-G-A. GRCh37 (hg19) VCF-style: chr2-73961620-G-A.
Other names: c.77C>T, p.Ala26Val (NM_001330386.2, NM_001330387.2, NM_001330388.2 and 1 more transcripts); c.-99C>T (NM_001330390.2); c.42+35C>T (NM_001330391.2, NM_001330392.2); short protein forms A26V.
Identifiers: ClinVar variation 2068884 (VCV002068884.4), dbSNP rs751970441, ClinGen allele CA1716487.